The following is an entry in ClinVar:

NM_020778.4(ALPK3):c.22T>C (p.Tyr8His)

Gene: ALPK3 (alpha kinase 3; plus strand). Cytogenetic location: 15q25.3.
Variant type: single nucleotide variant.
Coding change: c.22T>C on transcript NM_020778.4; coding-DNA position 22, T replaced by C.
Protein change: p.Tyr8His; replaces tyrosine 8 with histidine.
Genome position (GRCh38, 1-based): chr15:84,816,868, T>C. VCF-style: chr15-84816868-T-C. GRCh37 (hg19) VCF-style: chr15-85360099-T-C.
Other names: short protein forms Y8H.
Identifiers: ClinVar variation 4044578 (VCV004044578.1).

ClinVar aggregate classification (germline): Uncertain significance (1 of 4 stars; one submission).

Conditions:
Cardiovascular phenotype. Identifiers: MedGen CN230736.

Submission:

Ambry Genetics
Classification: Uncertain significance for Cardiovascular phenotype. Last evaluated: 2025-04-07. Review status: criteria provided, single submitter. Criteria: Ambry Variant Classification Scheme 2023. Collection method: clinical testing. Allele origin: germline.
Comment: The p.Y8H variant (also known as c.22T>C), located in coding exon 1 of the ALPK3 gene, results from a T to C substitution at nucleotide position 22. The tyrosine at codon 8 is replaced by histidine, an amino acid with similar properties. This amino acid position is conserved. In addition, this alteration is predicted to be tolerated by in silico analysis. Based on the available evidence, the clinical significance of this variant remains unclear.